The following is an entry in ClinVar:

NM_001371596.2(MFSD8):c.513C>A (p.Asn171Lys)

Gene: MFSD8 (major facilitator superfamily domain containing 8; minus strand). Cytogenetic location: 4q28.2.
Variant type: single nucleotide variant.
Coding change: c.513C>A on transcript NM_001371596.2 (MANE Select); coding-DNA position 513, C replaced by A.
Protein change: p.Asn171Lys; replaces asparagine 171 with lysine.
Molecular consequence: missense variant. On other transcripts: intron variant (4).
Genome position (GRCh38, 1-based): chr4:127,942,085, G>T on the plus strand (C>A on the coding strand, the complement: MFSD8 is on the minus strand). VCF-style: chr4-127942085-G-T. GRCh37 (hg19) VCF-style: chr4-128863240-G-T.
Other names: c.513C>A, p.Asn171Lys (NM_001363520.3, NM_001371591.2, NM_001371592.2 and 2 more transcripts); c.378C>A, p.Asn126Lys (NM_001371590.2, NM_001371595.1); c.304+1667C>A (NM_001410765.1); c.439+1667C>A (NM_001363521.3, NM_001410766.1, NM_001371593.2); short protein forms N126K, N171K.
Identifiers: ClinVar variation 2153369 (VCV002153369.1), dbSNP rs1740284574, ClinGen allele CA358176182.

ClinVar aggregate classification (germline): Uncertain significance (1 of 4 stars; one submission).

Conditions:
Neuronal ceroid lipofuscinosis 7 (CLN7). Also called: MFSD8-Related Neuronal Ceroid-Lipofuscinosis. Identifiers: Orphanet 168491, Orphanet 228366, MedGen C1838571, MONDO:0012588, OMIM 610951.

Allele frequency attached by ClinVar (database versions not stated): gnomAD exomes below 0.00001.
gnomAD v4.1: 1 of 1,613,996 alleles (0.000062%); highest among the groups gnomAD compares: Non-Finnish European, 0.000085%; no homozygotes.

Submission:

Labcorp Genetics (formerly Invitae), Labcorp
Classification: Uncertain significance for Neuronal ceroid lipofuscinosis 7. Last evaluated: 2021-08-31. Review status: criteria provided, single submitter. Criteria: Invitae Variant Classification Sherloc (09022015). Collection method: clinical testing. Allele origin: germline.
Comment: This sequence change replaces asparagine with lysine at codon 171 of the MFSD8 protein (p.Asn171Lys). The asparagine residue is highly conserved and there is a moderate physicochemical difference between asparagine and lysine. This variant is not present in population databases (ExAC no frequency). This variant has not been reported in the literature in individuals affected with MFSD8-related conditions. Algorithms developed to predict the effect of missense changes on protein structure and function are either unavailable or do not agree on the potential impact of this missense change (SIFT: "Tolerated"; PolyPhen-2: "Possibly Damaging"; Align-GVGD: "Class C0"). In summary, the available evidence is currently insufficient to determine the role of this variant in disease. Therefore, it has been classified as a Variant of Uncertain Significance.